The following is an entry in ClinVar:

ClinVar aggregate classification (germline): Pathogenic (1 of 4 stars; one submission).

Conditions:
Epidermolysis bullosa dystrophica. Also called: Dystrophic epidermolysis bullosa, Hallopeau-Siemens type (formerly); Dystrophic epidermolysis bullosa. Identifiers: Orphanet 303, MedGen C0079294, MONDO:0006543.

Submission:

Natera, Inc.
Classification: Pathogenic for Dystrophic epidermolysis bullosa. Last evaluated: 2025-09-05. Review status: criteria provided, single submitter. Criteria: Natera Variant Classification Schema (03/2026). Collection method: clinical testing. Allele origin: germline.
Comment: The c.2716C>T variant in COL7A1 is a nonsense variant predicted to introduce a stop codon at amino acid 906. This variant is expected to result in nonsense mediated decay, truncation, or a dysfunctional protein product. This variant is rare in the general population with a frequency below the threshold expected for the associated phenotype(s). This variant has been observed in one or more individuals affected with the associated recessive disease, as either homozygous or compound heterozygous with a second variant (PMID: 28549954). Given the available evidence, this variant is classified as Pathogenic.

Literature cited by the submitters: PubMed 28549954.

NM_000094.4(COL7A1):c.2716C>T (p.Gln906Ter)

Gene: COL7A1 (collagen type VII alpha 1 chain; minus strand). Cytogenetic location: 3p21.31.
Variant type: single nucleotide variant.
Coding change: c.2716C>T on transcript NM_000094.4 (MANE Select); coding-DNA position 2716, C replaced by T.
Protein change: p.Gln906Ter; replaces glutamine 906 with a stop codon.
Molecular consequence: nonsense.
Genome position (GRCh38, 1-based): chr3:48,587,934, G>A on the plus strand (C>T on the coding strand, the complement: COL7A1 is on the minus strand). VCF-style: chr3-48587934-G-A. GRCh37 (hg19) VCF-style: chr3-48625367-G-A.
Other names: short protein forms Q906*.
Identifiers: ClinVar variation 4817366 (VCV004817366.1).